The following is an entry in ClinVar:

ClinVar aggregate classification (germline): Uncertain significance (1 of 4 stars; one submission).

gnomAD v4.1: 1 of 1,612,824 alleles (0.000062%); highest among the groups gnomAD compares: Non-Finnish European, 0.000085%; no homozygotes.

Submission:

Labcorp Genetics (formerly Invitae), Labcorp
Classification: Uncertain significance. Last evaluated: 2022-07-25. Review status: criteria provided, single submitter. Criteria: Invitae Variant Classification Sherloc (09022015). Collection method: clinical testing. Allele origin: germline.
Comment: In summary, the available evidence is currently insufficient to determine the role of this variant in disease. Therefore, it has been classified as a Variant of Uncertain Significance. Algorithms developed to predict the effect of missense changes on protein structure and function (SIFT, PolyPhen-2, Align-GVGD) all suggest that this variant is likely to be disruptive. ClinVar contains an entry for this variant (Variation ID: 1398815). This variant has not been reported in the literature in individuals affected with PAFAH1B1-related conditions. This variant is not present in population databases (gnomAD no frequency). This sequence change replaces valine, which is neutral and non-polar, with alanine, which is neutral and non-polar, at codon 400 of the PAFAH1B1 protein (p.Val400Ala).

NM_000430.4(PAFAH1B1):c.1199T>C (p.Val400Ala)

Gene: PAFAH1B1 (platelet activating factor acetylhydrolase 1b regulatory subunit 1; plus strand). Cytogenetic location: 17p13.3.
Variant type: single nucleotide variant.
Coding change: c.1199T>C on transcript NM_000430.4 (MANE Select); coding-DNA position 1199, T replaced by C.
Protein change: p.Val400Ala; replaces valine 400 with alanine.
Molecular consequence: missense variant.
Genome position (GRCh38, 1-based): chr17:2,681,768, T>C. VCF-style: chr17-2681768-T-C. GRCh37 (hg19) VCF-style: chr17-2585062-T-C.
Other names: short protein forms V400A.
Identifiers: ClinVar variation 1398815 (VCV001398815.8), dbSNP rs2151675417, ClinGen allele CA397643119.
Genomic context (GRCh38, chr17:2,681,768, plus strand): 5'-AACCATTTCTTTTTCTTTCAGATTTCCACAAGACGGCACCCTATGTCGTCACTGGCAGCG[T>C]AGATCAAACAGTAAAAGTGTGGGAGTGCCGTTGATTGTGTCTCCTTCGGCCCCTCCTCCC-3'
Protein context (NP_000421.1, residues 390-410): KTAPYVVTGS[Val400Ala]DQTVKVWECR